The following is an entry in ClinVar:

NM_201525.4(ADGRG1):c.1261A>G (p.Thr421Ala)

Gene: ADGRG1 (adhesion G protein-coupled receptor G1; plus strand). Cytogenetic location: 16q21.
Variant type: single nucleotide variant.
Coding change: c.1261A>G on transcript NM_201525.4 (MANE Select); coding-DNA position 1261, A replaced by G.
Protein change: p.Thr421Ala; replaces threonine 421 with alanine.
Molecular consequence: missense variant.
Genome position (GRCh38, 1-based): chr16:57,657,466, A>G. VCF-style: chr16-57657466-A-G. GRCh37 (hg19) VCF-style: chr16-57691378-A-G.
Other names: c.1261A>G, p.Thr421Ala (NM_001145770.3, NM_001145771.3, NM_001145772.3 and 14 more transcripts); c.1276A>G, p.Thr426Ala (NM_001145773.3, NM_001370433.1); c.751A>G, p.Thr251Ala (NM_001290142.2); c.736A>G, p.Thr246Ala (NM_001290143.2, NM_001290144.2, NM_001370451.1 and 2 more transcripts); c.1258A>G, p.Thr420Ala (NM_001370434.1, NM_001370441.1); c.1105A>G, p.Thr369Ala (NM_001370442.1); short protein forms T369A, T251A, T426A, T246A, T420A, T421A.
Identifiers: ClinVar variation 1412705 (VCV001412705.6), dbSNP rs1567796174, ClinGen allele CA396049358.
Genomic context (GRCh38, chr16:57,657,466, plus strand): 5'-CACTACCTGAGCCTCCTCTCCTACGTGGGCTGTGTCGTCTCTGCCCTGGCCTGCCTTGTC[A>G]CCATTGCCGCCTACCTCTGCTCCAGGTGAGGCCTGAAAGGGGTGGGACAGGGGAGGGGAC-3'
Protein context (NP_958933.1, residues 411-431): CVVSALACLV[Thr421Ala]IAAYLCSRRK

ClinVar aggregate classification (germline): Uncertain significance (1 of 4 stars; one submission).

Allele frequency attached by ClinVar (database versions not stated): gnomAD exomes 0.00001.
gnomAD v4.1: 3 of 1,613,632 alleles (0.00019%); highest among the groups gnomAD compares: Non-Finnish European, 0.00025%; no homozygotes.

Submission:

Labcorp Genetics (formerly Invitae), Labcorp
Classification: Uncertain significance. Last evaluated: 2025-10-01. Review status: criteria provided, single submitter. Criteria: Invitae Variant Classification Sherloc (09022015). Collection method: clinical testing. Allele origin: germline.
Comment: This sequence change replaces threonine, which is neutral and polar, with alanine, which is neutral and non-polar, at codon 421 of the ADGRG1 protein (p.Thr421Ala). This variant is not present in population databases (gnomAD no frequency). This variant has not been reported in the literature in individuals affected with ADGRG1-related conditions. ClinVar contains an entry for this variant (Variation ID: 1412705). Invitae Evidence Modeling of protein sequence and biophysical properties (such as structural, functional, and spatial information, amino acid conservation, physicochemical variation, residue mobility, and thermodynamic stability) indicates that this missense variant is not expected to disrupt ADGRG1 protein function with a negative predictive value of 95%. In summary, the available evidence is currently insufficient to determine the role of this variant in disease. Therefore, it has been classified as a Variant of Uncertain Significance.